The following is an entry in ClinVar:

ClinVar aggregate classification (germline): Uncertain significance (1 of 4 stars; one submission).

Allele frequency attached by ClinVar (database versions not stated): gnomAD exomes below 0.00001.

Submission:

Labcorp Genetics (formerly Invitae), Labcorp
Classification: Uncertain significance. Last evaluated: 2023-12-13. Review status: criteria provided, single submitter. Criteria: Invitae Variant Classification Sherloc (09022015). Collection method: clinical testing. Allele origin: germline.
Comment: This sequence change creates a premature translational stop signal (p.Asp482Ilefs*8) in the FOCAD gene. It is expected to result in an absent or disrupted protein product. However, the current clinical and genetic evidence is not sufficient to establish whether loss-of-function variants in FOCAD cause disease. This variant is not present in population databases (gnomAD no frequency). This variant has not been reported in the literature in individuals affected with FOCAD-related conditions. In summary, the available evidence is currently insufficient to determine the role of this variant in disease. Therefore, it has been classified as a Variant of Uncertain Significance.

NM_001375567.1(FOCAD):c.1444del (p.Asp482fs)

Gene: FOCAD (focadhesin; plus strand). Cytogenetic location: 9p21.3.
Variant type: Deletion.
Coding change: c.1444del on transcript NM_001375567.1 (MANE Select); coding-DNA position 1444, one base deleted (G; older notation c.1444delG).
Protein change: p.Asp482fs; shifts the reading frame from aspartic acid 482.
Molecular consequence: frameshift variant.
Genome position (GRCh38, 1-based): chr9:20,789,597, G deleted. VCF-style (leftmost placement, unchanged base first): chr9-20789596-AG-A. GRCh37 (hg19) VCF-style: chr9-20789595-AG-A.
Other names: c.1444del, p.Asp482fs (NM_001375568.1, NM_017794.5); c.1339del, p.Asp447fs (NM_001375570.1); short protein forms D482fs, D447fs.
Identifiers: ClinVar variation 2702787 (VCV002702787.3), dbSNP rs2490230280, ClinGen allele CA2689562030.